The following is an entry in ClinVar:

ClinVar aggregate classification (germline): Uncertain significance (1 of 4 stars; one submission).

gnomAD v4.1: 28 of 1,614,000 alleles (0.0017%); highest among the groups gnomAD compares: Non-Finnish European, 0.0021%; no homozygotes.

Submission:

Labcorp Genetics (formerly Invitae), Labcorp
Classification: Uncertain significance. Last evaluated: 2024-10-31. Review status: criteria provided, single submitter. Criteria: Invitae Variant Classification Sherloc (09022015). Collection method: clinical testing. Allele origin: germline.
Comment: This sequence change replaces glycine, which is neutral and non-polar, with serine, which is neutral and polar, at codon 114 of the TNFAIP3 protein (p.Gly114Ser). This variant is present in population databases (no rsID available, gnomAD 0.002%). This variant has not been reported in the literature in individuals affected with TNFAIP3-related conditions. Invitae Evidence Modeling of protein sequence and biophysical properties (such as structural, functional, and spatial information, amino acid conservation, physicochemical variation, residue mobility, and thermodynamic stability) has been performed for this missense variant. However, the output from this modeling did not meet the statistical confidence thresholds required to predict the impact of this variant on TNFAIP3 protein function. In summary, the available evidence is currently insufficient to determine the role of this variant in disease. Therefore, it has been classified as a Variant of Uncertain Significance.

NM_001270508.2(TNFAIP3):c.340G>A (p.Gly114Ser)

Gene: TNFAIP3 (TNF alpha induced protein 3; plus strand). Cytogenetic location: 6q23.3.
Variant type: single nucleotide variant.
Coding change: c.340G>A on transcript NM_001270508.2 (MANE Select); coding-DNA position 340, G replaced by A.
Protein change: p.Gly114Ser; replaces glycine 114 with serine.
Molecular consequence: missense variant.
Genome position (GRCh38, 1-based): chr6:137,874,889, G>A. VCF-style: chr6-137874889-G-A. GRCh37 (hg19) VCF-style: chr6-138196026-G-A.
Other names: c.340G>A, p.Gly114Ser (NM_001270507.2, NM_006290.4); short protein forms G114S.
Identifiers: ClinVar variation 3631761 (VCV003631761.2).